The following is an entry in ClinVar:

NM_003742.4(ABCB11):c.3704G>A (p.Arg1235Gln)

Gene: ABCB11 (ATP binding cassette subfamily B member 11; minus strand). Cytogenetic location: 2q31.1.
Variant type: single nucleotide variant.
Coding change: c.3704G>A on transcript NM_003742.4 (MANE Select); coding-DNA position 3704, G replaced by A.
Protein change: p.Arg1235Gln; replaces arginine 1235 with glutamine.
Molecular consequence: missense variant.
Genome position (GRCh38, 1-based): chr2:168,924,718, C>T on the plus strand (G>A on the coding strand, the complement: ABCB11 is on the minus strand). VCF-style: chr2-168924718-C-T. GRCh37 (hg19) VCF-style: chr2-169781228-C-T.
Other names: short protein forms R1235Q.
Identifiers: ClinVar variation 4846146 (VCV004846146.1).

ClinVar aggregate classification (germline): Uncertain significance (1 of 4 stars; one submission).

Conditions:
Familial intrahepatic cholestasis. Identifiers: Orphanet 284385, MedGen CN296401, MONDO:0017290.

gnomAD v4.1: 41 of 1,613,502 alleles (0.0025%); highest among the groups gnomAD compares: South Asian, 0.02%; no homozygotes.

Submission:

Genomenon, Inc
Classification: Uncertain significance for Familial intrahepatic cholestasis. Last evaluated: 2026-04-14. Review status: criteria provided, single submitter. Criteria: Genomenon Sequence Variant Interpretation Standards - Updated. Collection method: curation. Allele origin: germline. Affected: no.
Comment: ABCB11 p.Arg1235Gln (c.3704G>A) is a missense variant that changes the amino acid at residue 1235 from Arginine to Glutamine. This variant has been reported in the published literature (PMID:37208429). It is absent or not present at a significant frequency in gnomAD. In silico models predict that this variant is possibly or probably damaging. In conclusion, we classify ABCB11 p.Arg1235Gln (c.3704G>A) as a variant of uncertain significance.

Literature cited by the submitters: PubMed 37208429.